The following is an entry in ClinVar:

NM_002653.5(PITX1):c.395G>A (p.Arg132His)

Gene: PITX1 (paired like homeodomain 1; minus strand). Cytogenetic location: 5q31.1.
Variant type: single nucleotide variant.
Coding change: c.395G>A on transcript NM_002653.5 (MANE Select); coding-DNA position 395, G replaced by A.
Protein change: p.Arg132His; replaces arginine 132 with histidine.
Molecular consequence: missense variant.
Genome position (GRCh38, 1-based): chr5:135,031,283, C>T on the plus strand (G>A on the coding strand, the complement: PITX1 is on the minus strand). VCF-style: chr5-135031283-C-T. GRCh37 (hg19) VCF-style: chr5-134366973-C-T.
Other names: short protein forms R132H.
Identifiers: ClinVar variation 4075606 (VCV004075606.1).

ClinVar aggregate classification (germline): Uncertain significance (1 of 4 stars; one submission).

Submission:

GeneDx
Classification: Uncertain significance. Last evaluated: 2025-02-14. Review status: criteria provided, single submitter. Criteria: GeneDx Variant Classification Process June 2021. Collection method: clinical testing. Allele origin: germline. Affected: yes.
Comment: Not observed at significant frequency in large population cohorts (gnomAD); In silico analysis supports that this missense variant has a deleterious effect on protein structure/function; Has not been previously published as pathogenic or benign to our knowledge